The following is an entry in ClinVar:

ClinVar aggregate classification (germline): Benign/Likely benign. Review status: criteria provided, multiple submitters, no conflicts (2 of 4 stars). 5 submissions from 5 submitters: Benign (1); Likely benign (4). Last evaluated 2025-10-29.

Conditions:
Fanconi anemia complementation group J. Also called: BRIP1-Related Fanconi Anemia. Identifiers: Orphanet 84, MedGen C1836860, MONDO:0012187, OMIM 609054.
Familial cancer of breast. Also called: Hereditary breast cancer; BREAST CANCER, FAMILIAL; hereditary breast carcinoma. Identifiers: Orphanet 227535, MedGen C0346153, MONDO:0016419, OMIM 114480. Disease mechanism: loss of function.
Hereditary cancer-predisposing syndrome. Also called: Tumor predisposition; Neoplastic Syndromes, Hereditary; Hereditary Cancer Syndrome; Hereditary neoplastic syndrome. Identifiers: Orphanet 140162, MedGen C0027672, MeSH D009386, MONDO:0015356.

Allele frequency attached by ClinVar (database versions not stated): gnomAD exomes below 0.00001; ExAC 0.00001.
gnomAD v4.1: 6 of 1,613,692 alleles (0.00037%); highest among the groups gnomAD compares: Non-Finnish European, 0.00051%; no homozygotes.

Submissions (5):

Labcorp Genetics (formerly Invitae), Labcorp
Classification: Likely benign for Familial cancer of breast; Fanconi anemia complementation group J. Last evaluated: 2025-10-29. Review status: criteria provided, single submitter. Criteria: Invitae Variant Classification Sherloc (09022015). Collection method: clinical testing. Allele origin: germline.

Myriad Genetics, Inc.
Classification: Benign for Familial cancer of breast. Last evaluated: 2024-08-21. Review status: criteria provided, single submitter. Criteria: Myriad Autosomal Dominant, Autosomal Recessive and X-Linked Classification Criteria (2023). Collection method: clinical testing. Allele origin: unknown.
Comment: This variant is considered benign. This variant is a silent/synonymous amino acid change and it is not expected to impact splicing.

GeneDx
Classification: Likely benign. Last evaluated: 2020-09-21. Review status: criteria provided, single submitter. Criteria: GeneDx Variant Classification Process June 2021. Collection method: clinical testing. Allele origin: germline. Affected: yes.

Color Diagnostics, LLC DBA Color Health
Classification: Likely benign for Hereditary cancer-predisposing syndrome. Last evaluated: 2018-04-10. Review status: criteria provided, single submitter. Criteria: ACMG Guidelines, 2015. Collection method: clinical testing. Allele origin: germline.

Ambry Genetics
Classification: Likely benign for Hereditary cancer-predisposing syndrome. Last evaluated: 2018-01-11. Review status: criteria provided, single submitter. Criteria: Ambry Variant Classification Scheme 2023. Collection method: clinical testing. Allele origin: germline.

NM_032043.3(BRIP1):c.576T>C (p.Thr192=)

Gene: BRIP1 (BRCA1 interacting DNA helicase 1; minus strand). Cytogenetic location: 17q23.2.
Variant type: single nucleotide variant.
Coding change: c.576T>C on transcript NM_032043.3 (MANE Select); coding-DNA position 576, T replaced by C.
Protein change: p.Thr192=; no amino-acid change (threonine 192 retained).
Molecular consequence: synonymous variant.
Genome position (GRCh38, 1-based): chr17:61,847,152, A>G on the plus strand (T>C on the coding strand, the complement: BRIP1 is on the minus strand). VCF-style: chr17-61847152-A-G. GRCh37 (hg19) VCF-style: chr17-59924513-A-G.
Identifiers: ClinVar variation 414674 (VCV000414674.58), dbSNP rs781282996, ClinGen allele CA8690906.
Genomic context (GRCh38, chr17:61,847,152, plus strand): 5'-AATACATACTTTCTGTGGCGAAAAGGAGTTTATCTTTTCCAGTGGAGAGTTGAGTTTTAC[A>G]GTCTTTCCTGAATCAACTTTTGCATCCAAATTGTGTACTTCTGTTCCAAAGCAATGACGT-3'
Protein context (NP_114432.2, residues 182-202): NLDAKVDSGK[Thr192=]VKLNSPLEKI